The following is an entry in ClinVar:

NM_024426.6(WT1):c.596G>A (p.Arg199Lys)

Genes: WT1 (WT1 transcription factor; minus strand), LOC107982234 (WT1/WT1-AS bi-directional promoter region; plus strand). Cytogenetic location: 11p13.
Variant type: single nucleotide variant.
Coding change: c.596G>A on transcript NM_024426.6 (MANE Select); coding-DNA position 596, G replaced by A.
Protein change: p.Arg199Lys; replaces arginine 199 with lysine.
Molecular consequence: missense variant. On other transcripts: non-coding transcript variant (2).
Genome position (GRCh38, 1-based): chr11:32,434,765, C>T on the plus strand (G>A on the coding strand, the complement: WT1 is on the minus strand). VCF-style: chr11-32434765-C-T. GRCh37 (hg19) VCF-style: chr11-32456311-C-T.
Other names: c.596G>A, p.Arg199Lys (NM_000378.6, NM_001407044.1, NM_001407045.1 and 6 more transcripts); c.377G>A, p.Arg126Lys (NM_001429031.1, NM_001429032.1, NM_001429033.1 and 1 more transcripts); short protein forms R199K, R126K, R194K.
Identifiers: ClinVar variation 5032048 (VCV005032048.1).

ClinVar aggregate classification (germline): Uncertain significance (1 of 4 stars; one submission).

Conditions:
Inborn genetic diseases. Identifiers: MedGen C0950123, MeSH D030342.

Submission:

Ambry Genetics
Classification: Uncertain significance for Inborn genetic diseases. Last evaluated: 2026-07-13. Review status: criteria provided, single submitter. Criteria: Ambry Variant Classification Scheme 2023. Collection method: clinical testing. Allele origin: germline.
Comment: The p.R194K variant (also known as c.581G>A), located in coding exon 1 of the WT1 gene, results from a G to A substitution at nucleotide position 581. The arginine at codon 194 is replaced by lysine, an amino acid with highly similar properties. This amino acid position is conserved. In addition, the in silico prediction for this alteration is inconclusive. Based on the available evidence, the clinical significance of this variant remains unclear.